The following is an entry in ClinVar:

NM_203447.4(DOCK8):c.3519C>T (p.Ala1173=)

Gene: DOCK8 (dedicator of cytokinesis 8; plus strand). Cytogenetic location: 9p24.3.
Variant type: single nucleotide variant.
Coding change: c.3519C>T on transcript NM_203447.4 (MANE Select); coding-DNA position 3519, C replaced by T.
Protein change: p.Ala1173=; no amino-acid change (alanine 1173 retained).
Molecular consequence: synonymous variant.
Genome position (GRCh38, 1-based): chr9:407,058, C>T. VCF-style: chr9-407058-C-T. GRCh37 (hg19) VCF-style: chr9-407058-C-T.
Other names: c.3219C>T, p.Ala1073= (NM_001190458.2); c.3315C>T, p.Ala1105= (NM_001193536.2).
Identifiers: ClinVar variation 366976 (VCV000366976.38), dbSNP rs144299704, ClinGen allele CA4958708.

ClinVar aggregate classification (germline): Conflicting classifications of pathogenicity. Review status: criteria provided, conflicting classifications (1 of 4 stars). 4 submissions from 4 submitters: Uncertain significance (1); Likely benign (3). Last evaluated 2025-12-07.

Conditions:
Combined immunodeficiency due to DOCK8 deficiency (HIES2). Also called: HYPER-IgE RECURRENT INFECTION SYNDROME 2, AUTOSOMAL RECESSIVE; HIES autosomal recessive; HYPER-IgE SYNDROME 2, AUTOSOMAL RECESSIVE, WITH RECURRENT INFECTIONS; DOCK8 Deficiency; Hyper-IgE recurrent infection syndrome, autosomal recessive. Identifiers: Orphanet 217390, MedGen C4722305, MONDO:0009478, OMIM 243700.

Allele frequency attached by ClinVar (database versions not stated): gnomAD exomes 0.00003 and 0.00006; ExAC 0.00007; ESP Exome Variant Server 0.00015; TOPMed 0.00025; gnomAD 0.00026 and 0.00027.
gnomAD v4.1: 87 of 1,613,866 alleles (0.0054%); highest among the groups gnomAD compares: African/African-American, 0.087%; no homozygotes.

Submissions (4):

Labcorp Genetics (formerly Invitae), Labcorp
Classification: Likely benign for Combined immunodeficiency due to DOCK8 deficiency. Last evaluated: 2025-12-07. Review status: criteria provided, single submitter. Criteria: Invitae Variant Classification Sherloc (09022015). Collection method: clinical testing. Allele origin: germline.

Blueprint Genetics
Classification: Likely benign. Last evaluated: 2024-10-18. Review status: criteria provided, single submitter. Criteria: ACMG Guidelines, 2015. Collection method: clinical testing. Allele origin: germline.

CeGaT Center for Human Genetics Tuebingen
Classification: Likely benign. Last evaluated: 2022-03-01. Review status: criteria provided, single submitter. Criteria: CeGaT Center For Human Genetics Tuebingen Variant Classification Criteria Version 2. Collection method: clinical testing. Allele origin: germline. Affected: yes. Observed: 1 variant allele.
Comment: DOCK8: BP4, BP7

Illumina Laboratory Services, Illumina
Classification: Uncertain significance for Combined immunodeficiency due to DOCK8 deficiency. Last evaluated: 2018-01-12. Review status: criteria provided, single submitter. Criteria: ICSL Variant Classification Criteria 13 December 2019. Collection method: clinical testing. Allele origin: germline.